The following is an entry in ClinVar:

ClinVar aggregate classification (germline): Uncertain significance. Review status: criteria provided, multiple submitters, no conflicts (2 of 4 stars). 2 submissions from 2 submitters: Uncertain significance (2). Last evaluated 2025-07-31.

Conditions:
Hereditary cancer-predisposing syndrome. Also called: Neoplastic Syndromes, Hereditary; Hereditary neoplastic syndrome; Tumor predisposition; Hereditary Cancer Syndrome. Identifiers: Orphanet 140162, MedGen C0027672, MeSH D009386, MONDO:0015356.
BAP1-related tumor predisposition syndrome (TPDS1). Also called: COMMON Syndrome; TUMOR PREDISPOSITION SYNDROME 1; Tumor susceptibility linked to germline BAP1 mutations; BAP1 tumor predisposition syndrome. Identifiers: Orphanet 289539, MedGen C3280492, MONDO:0013692, OMIM 614327.

gnomAD v4.1: 1 of 1,589,394 alleles (0.000063%); highest among the groups gnomAD compares: Non-Finnish European, 0.000086%; no homozygotes.

Submissions (2):

Labcorp Genetics (formerly Invitae), Labcorp
Classification: Uncertain significance for BAP1-related tumor predisposition syndrome. Last evaluated: 2025-07-31. Review status: criteria provided, single submitter. Criteria: Invitae Variant Classification Sherloc (09022015). Collection method: clinical testing. Allele origin: germline.
Comment: This sequence change replaces glutamine, which is neutral and polar, with proline, which is neutral and non-polar, at codon 712 of the BAP1 protein (p.Gln712Pro). This variant is not present in population databases (gnomAD no frequency). This variant has not been reported in the literature in individuals affected with BAP1-related conditions. ClinVar contains an entry for this variant (Variation ID: 1391525). Invitae Evidence Modeling of protein sequence and biophysical properties (such as structural, functional, and spatial information, amino acid conservation, physicochemical variation, residue mobility, and thermodynamic stability) indicates that this missense variant is expected to disrupt BAP1 protein function with a positive predictive value of 80%. In summary, the available evidence is currently insufficient to determine the role of this variant in disease. Therefore, it has been classified as a Variant of Uncertain Significance.

Ambry Genetics
Classification: Uncertain significance for Hereditary cancer-predisposing syndrome. Last evaluated: 2025-06-26. Review status: criteria provided, single submitter. Criteria: Ambry Variant Classification Scheme 2023. Collection method: clinical testing. Allele origin: germline.
Comment: The p.Q712P variant (also known as c.2135A>C), located in coding exon 17 of the BAP1 gene, results from an A to C substitution at nucleotide position 2135. The glutamine at codon 712 is replaced by proline, an amino acid with similar properties. This variant was reported in individual(s) with features consistent with BAP1-related tumor predisposition syndrome (Ambry internal data). This alteration was functional in a high throughput genome editing haploid cell survival functional assay (Waters AJ et al. Nat Genet, 2024 Jul;56:1434-1445). (Waters AJ et al. Nat Genet, 2024 Jul;56:1434-1445). This amino acid position is highly conserved in available vertebrate species. In addition, the in silico prediction for this alteration is inconclusive. Based on the available evidence, the clinical significance of this variant remains unclear.

Literature cited by the submitters: PubMed 38969833 (cited by Ambry Genetics).

NM_004656.4(BAP1):c.2135A>C (p.Gln712Pro)

Gene: BAP1 (BRCA1 associated deubiquitinase 1; minus strand). Cytogenetic location: 3p21.1.
Variant type: single nucleotide variant.
Coding change: c.2135A>C on transcript NM_004656.4 (MANE Select); coding-DNA position 2135, A replaced by C.
Protein change: p.Gln712Pro; replaces glutamine 712 with proline.
Molecular consequence: missense variant.
Genome position (GRCh38, 1-based): chr3:52,402,343, T>G on the plus strand (A>C on the coding strand, the complement: BAP1 is on the minus strand). VCF-style: chr3-52402343-T-G. GRCh37 (hg19) VCF-style: chr3-52436359-T-G.
Other names: c.2135A>C (NM_004656.2); short protein forms Q712P.
Identifiers: ClinVar variation 1391525 (VCV001391525.8), dbSNP rs2153226096, ClinGen allele CA353094195.
Genomic context (GRCh38, chr3:52,402,343, plus strand): 5'-AGTCCTCACTGGCGCTTGGCCTTGTAGGGGCGAGAGCGTTTCCGCCGGTCAGGCTTCCGC[T>G]GCTTGTGGAGCCGGCCGATGCTGACCCCTTGGCGCCGCCGCACGGAGATGTTCTGCTCCA-3'
Protein context (NP_004647.1, residues 702-722): QGVSIGRLHK[Gln712Pro]RKPDRRKRSR